The following is an entry in ClinVar:

ClinVar aggregate classification (germline): Uncertain significance. Review status: criteria provided, multiple submitters, no conflicts (2 of 4 stars). 3 submissions from 3 submitters: Uncertain significance (3). Last evaluated 2024-06-25.

Conditions:
Hereditary cancer-predisposing syndrome. Also called: Hereditary neoplastic syndrome; Neoplastic Syndromes, Hereditary; Tumor predisposition; Hereditary Cancer Syndrome. Identifiers: Orphanet 140162, MedGen C0027672, MeSH D009386, MONDO:0015356.
Tuberous sclerosis 2 (TSC2). Identifiers: Orphanet 805, MedGen C1860707, MONDO:0013199, OMIM 613254.

Submissions (3):

Labcorp Genetics (formerly Invitae), Labcorp
Classification: Uncertain significance for Tuberous sclerosis 2. Last evaluated: 2024-06-25. Review status: criteria provided, single submitter. Criteria: Invitae Variant Classification Sherloc (09022015). Collection method: clinical testing. Allele origin: germline.
Comment: This sequence change replaces arginine, which is basic and polar, with glycine, which is neutral and non-polar, at codon 245 of the TSC2 protein (p.Arg245Gly). This variant is not present in population databases (gnomAD no frequency). This variant has not been reported in the literature in individuals affected with TSC2-related conditions. ClinVar contains an entry for this variant (Variation ID: 468178). Advanced modeling of protein sequence and biophysical properties (such as structural, functional, and spatial information, amino acid conservation, physicochemical variation, residue mobility, and thermodynamic stability) performed at Invitae indicates that this missense variant is not expected to disrupt TSC2 protein function with a negative predictive value of 95%. In summary, the available evidence is currently insufficient to determine the role of this variant in disease. Therefore, it has been classified as a Variant of Uncertain Significance.

Ambry Genetics
Classification: Uncertain significance for Hereditary cancer-predisposing syndrome. Last evaluated: 2022-08-30. Review status: criteria provided, single submitter. Criteria: Ambry Variant Classification Scheme 2023. Collection method: clinical testing. Allele origin: germline.
Comment: The p.R245G variant (also known as c.733C>G), located in coding exon 7 of the TSC2 gene, results from a C to G substitution at nucleotide position 733. The arginine at codon 245 is replaced by glycine, an amino acid with dissimilar properties. This amino acid position is highly conserved in available vertebrate species. In addition, this alteration is predicted to be deleterious by in silico analysis. Since supporting evidence is limited at this time, the clinical significance of this alteration remains unclear.

Genome-Nilou Lab
Classification: Uncertain significance for Tuberous sclerosis 2. Last evaluated: 2021-11-07. Review status: criteria provided, single submitter. Criteria: ACMG Guidelines, 2015. Collection method: clinical testing. Allele origin: germline. Affected: no.

NM_000548.5(TSC2):c.733C>G (p.Arg245Gly)

Gene: TSC2 (TSC complex subunit 2; plus strand). Cytogenetic location: 16p13.3.
Variant type: single nucleotide variant.
Coding change: c.733C>G on transcript NM_000548.5 (MANE Select); coding-DNA position 733, C replaced by G.
Protein change: p.Arg245Gly; replaces arginine 245 with glycine.
Molecular consequence: missense variant.
Genome position (GRCh38, 1-based): chr16:2,056,728, C>G. VCF-style: chr16-2056728-C-G. GRCh37 (hg19) VCF-style: chr16-2106729-C-G.
Other names: c.733C>G, p.Arg245Gly (NM_001077183.3, NM_001114382.3, NM_001363528.2 and 3 more transcripts); c.622C>G, p.Arg208Gly (NM_001318827.2); c.586C>G, p.Arg196Gly (NM_001318829.2); c.133C>G, p.Arg45Gly (NM_001318831.2); c.766C>G, p.Arg256Gly (NM_001318832.2); short protein forms R245G, R208G, R45G, R196G, R256G.
Identifiers: ClinVar variation 468178 (VCV000468178.15), dbSNP rs375574283, ClinGen allele CA394312748.